The following is an entry in ClinVar:

NM_014028.4(OSTM1):c.*2329G>T

Gene: OSTM1 (osteoclastogenesis associated transmembrane protein 1; minus strand). Cytogenetic location: 6q21.
Variant type: single nucleotide variant.
Coding change: c.*2329G>T on transcript NM_014028.4 (MANE Select); 2329 bases downstream of the stop codon, G replaced by T.
Molecular consequence: 3 prime UTR variant.
Genome position (GRCh38, 1-based): chr6:108,042,456, C>A on the plus strand (G>T on the coding strand, the complement: OSTM1 is on the minus strand). VCF-style: chr6-108042456-C-A. GRCh37 (hg19) VCF-style: chr6-108363660-C-A.
Identifiers: ClinVar variation 354944 (VCV000354944.5), dbSNP rs112792700, ClinGen allele CA10621193.
Genomic context (GRCh38, chr6:108,042,456, plus strand): 5'-GACAGTACTTTCTTTTTTCTTTTTTTTTTTTTTTTTTTGAGACAAGGTCTGGCTCTGTCG[C>A]CCAGGTTGGAATGCAGTGGTACAATCTTGGCTCATTGCAACCTCCACCTCCCGGGCTCAA-3'

ClinVar aggregate classification (germline): Benign (1 of 4 stars; one submission).

Conditions:
Autosomal recessive osteopetrosis 5. Identifiers: Orphanet 85179, MedGen C1968603, MONDO:0009817, OMIM 259720.

Allele frequency attached by ClinVar (database versions not stated): gnomAD 0.08884 and 0.08905; TOPMed 0.11172; 1000 Genomes Project 0.13918; 1000 Genomes Project 30x 0.14710.

Submission:

Illumina Laboratory Services, Illumina
Classification: Benign for Autosomal recessive osteopetrosis 5. Last evaluated: 2018-01-12. Review status: criteria provided, single submitter. Criteria: ICSL Variant Classification Criteria 13 December 2019. Collection method: clinical testing. Allele origin: germline.
Comment: This variant was observed in the ICSL laboratory as part of a predisposition screen in an ostensibly healthy population. It had not been previously curated by ICSL or reported in the Human Gene Mutation Database (HGMD: prior to June 1st, 2018), and was therefore a candidate for classification through an automated scoring system. Utilizing variant allele frequency, disease prevalence and penetrance estimates, and inheritance mode, an automated score was calculated to assess if this variant is too frequent to cause the disease. Based on the score and internal cut-off values, a variant classified as benign is not then subjected to further curation. The score for this variant resulted in a classification of benign for this disease.